The following is an entry in ClinVar:

NM_000179.3(MSH6):c.1586G>A (p.Gly529Asp)

Gene: MSH6 (mutS homolog 6; plus strand). Cytogenetic location: 2p16.3.
Variant type: single nucleotide variant.
Coding change: c.1586G>A on transcript NM_000179.3 (MANE Select); coding-DNA position 1586, G replaced by A.
Protein change: p.Gly529Asp; replaces glycine 529 with aspartic acid.
Molecular consequence: missense variant.
Genome position (GRCh38, 1-based): chr2:47,799,569, G>A. VCF-style: chr2-47799569-G-A. GRCh37 (hg19) VCF-style: chr2-48026708-G-A.
Other names: c.1196G>A, p.Gly399Asp (NM_001281492.2); c.680G>A, p.Gly227Asp (NM_001281493.2, NM_001281494.2); short protein forms G529D, G399D, G227D.
Identifiers: ClinVar variation 187083 (VCV000187083.21), dbSNP rs786201964, ClinGen allele CA008819.

ClinVar aggregate classification (germline): Uncertain significance. Review status: criteria provided, multiple submitters, no conflicts (2 of 4 stars). 4 submissions from 4 submitters: Uncertain significance (4). Last evaluated 2025-06-11.

Conditions:
Hereditary nonpolyposis colorectal neoplasms. Identifiers: MedGen C0009405, MeSH D003123.
Lynch syndrome. Identifiers: Orphanet 144, MedGen C4552100, MONDO:0005835. Disease mechanism: loss of function.
Hereditary cancer-predisposing syndrome. Also called: Neoplastic Syndromes, Hereditary; Tumor predisposition; Hereditary Cancer Syndrome; Hereditary neoplastic syndrome. Identifiers: Orphanet 140162, MedGen C0027672, MeSH D009386, MONDO:0015356.

gnomAD v4.1: 1 of 1,614,190 alleles (0.000062%); highest among the groups gnomAD compares: Non-Finnish European, 0.000085%; no homozygotes.

Submissions (4):

Color Diagnostics, LLC DBA Color Health
Classification: Uncertain significance for Hereditary cancer-predisposing syndrome. Last evaluated: 2025-06-11. Review status: criteria provided, single submitter. Criteria: ACMG Guidelines, 2015. Collection method: clinical testing. Allele origin: germline.
Comment: This missense variant replaces glycine with aspartic acid at codon 529 of the MSH6 protein. Computational prediction suggests that this variant may not impact protein structure and function. To our knowledge, functional studies have not been reported for this variant. This variant has not been reported in individuals affected with MSH6-related disorders in the literature. This variant has not been identified in the general population by the Genome Aggregation Database (gnomAD). The available evidence is insufficient to determine the role of this variant in disease conclusively. Therefore, this variant is classified as a Variant of Uncertain Significance.

Labcorp Genetics (formerly Invitae), Labcorp
Classification: Uncertain significance for Hereditary nonpolyposis colorectal neoplasms. Last evaluated: 2025-01-05. Review status: criteria provided, single submitter. Criteria: Invitae Variant Classification Sherloc (09022015). Collection method: clinical testing. Allele origin: germline.
Comment: This sequence change replaces glycine, which is neutral and non-polar, with aspartic acid, which is acidic and polar, at codon 529 of the MSH6 protein (p.Gly529Asp). This variant is not present in population databases (gnomAD no frequency). This variant has not been reported in the literature in individuals affected with MSH6-related conditions. ClinVar contains an entry for this variant (Variation ID: 187083). Invitae Evidence Modeling of protein sequence and biophysical properties (such as structural, functional, and spatial information, amino acid conservation, physicochemical variation, residue mobility, and thermodynamic stability) indicates that this missense variant is not expected to disrupt MSH6 protein function with a negative predictive value of 95%. In summary, the available evidence is currently insufficient to determine the role of this variant in disease. Therefore, it has been classified as a Variant of Uncertain Significance.

Ambry Genetics
Classification: Uncertain significance for Hereditary cancer-predisposing syndrome. Last evaluated: 2023-08-17. Review status: criteria provided, single submitter. Criteria: Ambry Variant Classification Scheme 2023. Collection method: clinical testing. Allele origin: germline.
Comment: The p.G529D variant (also known as c.1586G>A), located in coding exon 4 of the MSH6 gene, results from a G to A substitution at nucleotide position 1586. The glycine at codon 529 is replaced by aspartic acid, an amino acid with similar properties. This amino acid position is well conserved in available vertebrate species. In addition, this alteration is predicted to be deleterious by in silico analysis. Since supporting evidence is limited at this time, the clinical significance of this alteration remains unclear.

Department of Pathology and Laboratory Medicine, Sinai Health System
Classification: Uncertain significance for Lynch syndrome. Last evaluated: 2022-03-15. Review status: criteria provided, single submitter. Criteria: ACMG Guidelines, 2015. Collection method: clinical testing. Allele origin: germline. Affected: yes.